The following is an entry in ClinVar:

NM_001165963.4(SCN1A):c.4074G>T (p.Trp1358Cys)

Genes: SCN1A (sodium voltage-gated channel alpha subunit 1; minus strand), LOC102724058 (uncharacterized LOC102724058; plus strand). Cytogenetic location: 2q24.3.
Variant type: single nucleotide variant.
Coding change: c.4074G>T on transcript NM_001165963.4 (MANE Select); coding-DNA position 4074, G replaced by T.
Protein change: p.Trp1358Cys; replaces tryptophan 1358 with cysteine.
Molecular consequence: missense variant. On other transcripts: non-coding transcript variant (1).
Genome position (GRCh38, 1-based): chr2:166,002,682, C>A on the plus strand (G>T on the coding strand, the complement: SCN1A is on the minus strand). VCF-style: chr2-166002682-C-A. GRCh37 (hg19) VCF-style: chr2-166859192-C-A.
Other names: c.3990G>T, p.Trp1330Cys (NM_001165964.3, NM_001353957.2, NM_001353958.2); c.4074G>T, p.Trp1358Cys (NM_001202435.3, NM_001353948.2); c.4041G>T, p.Trp1347Cys (NM_001353949.2, NM_001353950.2, NM_001353951.2 and 2 more transcripts); c.4038G>T, p.Trp1346Cys (NM_001353954.2, NM_001353955.2); c.3987G>T, p.Trp1329Cys (NM_001353960.2); c.1632G>T, p.Trp544Cys (NM_001353961.2); short protein forms W1329C, W1330C, W1346C, W1347C, W1358C, W544C.
Identifiers: ClinVar variation 1188664 (VCV001188664.2), dbSNP rs1553525267, ClinGen allele CA349050595.

ClinVar aggregate classification (germline): Likely pathogenic (1 of 4 stars; one submission).

Submission:

GeneDx
Classification: Likely pathogenic. Last evaluated: 2019-12-17. Review status: criteria provided, single submitter. Criteria: GeneDx Variant Classification Process June 2021. Collection method: clinical testing. Allele origin: germline. Affected: yes.
Comment: Not observed in large population cohorts (Lek et al., 2016); Missense variants in nearby residues reported in the Human Gene Mutation Database in individuals with epilepsy (Stenson et al., 2014); The majority of missense variants in this gene are considered pathogenic (Stenson et al., 2014); In silico analysis, which includes protein predictors and evolutionary conservation, supports a deleterious effect; Has not been previously published as pathogenic or benign to our knowledge; This substitution is predicted to be within the transmembrane segment S5 of the third homologous domain